The following is an entry in ClinVar:

NM_003124.5(SPR):c.706G>A (p.Val236Met)

Gene: SPR (sepiapterin reductase; plus strand). Cytogenetic location: 2p13.2.
Variant type: single nucleotide variant.
Coding change: c.706G>A on transcript NM_003124.5 (MANE Select); coding-DNA position 706, G replaced by A.
Protein change: p.Val236Met; replaces valine 236 with methionine.
Molecular consequence: missense variant.
Genome position (GRCh38, 1-based): chr2:72,891,457, G>A. VCF-style: chr2-72891457-G-A. GRCh37 (hg19) VCF-style: chr2-73118586-G-A.
Other names: short protein forms V236M.
Identifiers: ClinVar variation 660797 (VCV000660797.9), dbSNP rs371904378, ClinGen allele CA1709023.

ClinVar aggregate classification (germline): Conflicting classifications of pathogenicity. Review status: criteria provided, conflicting classifications (1 of 4 stars). 4 submissions from 4 submitters: Uncertain significance (3); Likely benign (1). Last evaluated 2022-07-12.

Conditions:
Inborn genetic diseases. Identifiers: MedGen C0950123, MeSH D030342.
Dystonic disorder. Also called: Dystonia. Identifiers: MedGen C0013421, MONDO:0003441, HP:0001332.
Dopa-responsive dystonia due to sepiapterin reductase deficiency. Also called: SPR DEFICIENCY; Sepiapterin reductase deficiency; DYT-SPR. Identifiers: Orphanet 70594, MedGen C0268468, MONDO:0012994, OMIM 612716.

Allele frequency attached by ClinVar (database versions not stated): TOPMed 0.00006; gnomAD 0.00007.

Submissions (4):

Labcorp Genetics (formerly Invitae), Labcorp
Classification: Uncertain significance for Dystonic disorder. Last evaluated: 2022-07-12. Review status: criteria provided, single submitter. Criteria: Invitae Variant Classification Sherloc (09022015). Collection method: clinical testing. Allele origin: germline.
Comment: This sequence change replaces valine, which is neutral and non-polar, with methionine, which is neutral and non-polar, at codon 236 of the SPR protein (p.Val236Met). This variant is present in population databases (rs371904378, gnomAD 0.02%). This variant has not been reported in the literature in individuals affected with SPR-related conditions. ClinVar contains an entry for this variant (Variation ID: 660797). Algorithms developed to predict the effect of missense changes on protein structure and function output the following: SIFT: "Tolerated"; PolyPhen-2: "Benign"; Align-GVGD: "Class C0". The methionine amino acid residue is found in multiple mammalian species, which suggests that this missense change does not adversely affect protein function. In summary, the available evidence is currently insufficient to determine the role of this variant in disease. Therefore, it has been classified as a Variant of Uncertain Significance.

Ambry Genetics
Classification: Likely benign for Inborn genetic diseases. Last evaluated: 2021-07-15. Review status: criteria provided, single submitter. Criteria: Ambry Variant Classification Scheme 2023. Collection method: clinical testing. Allele origin: germline.

Illumina Laboratory Services, Illumina
Classification: Uncertain significance for Dopa-responsive dystonia due to sepiapterin reductase deficiency. Last evaluated: 2018-01-13. Review status: criteria provided, single submitter. Criteria: ICSL Variant Classification Criteria 13 December 2019. Collection method: clinical testing. Allele origin: germline.

Breakthrough Genomics
Classification: Uncertain significance. Review status: criteria provided, single submitter. Criteria: ACMG Guidelines, 2015. Collection method: not provided. Allele origin: germline. Inheritance: Autosomal recessive inheritance. Affected: yes.